The following is an entry in ClinVar:

NM_020207.7(ERCC6L2):c.1332G>T (p.Leu444Phe)

Gene: ERCC6L2 (ERCC excision repair 6 like 2; plus strand). Cytogenetic location: 9q22.32.
Variant type: single nucleotide variant.
Coding change: c.1332G>T on transcript NM_020207.7 (MANE Select); coding-DNA position 1332, G replaced by T.
Protein change: p.Leu444Phe; replaces leucine 444 with phenylalanine.
Molecular consequence: missense variant. On other transcripts: non-coding transcript variant (1).
Genome position (GRCh38, 1-based): chr9:95,922,337, G>T. VCF-style: chr9-95922337-G-T. GRCh37 (hg19) VCF-style: chr9-98684619-G-T.
Other names: c.1332G>T, p.Leu444Phe (NM_001010895.4, NM_001375291.1, NM_001375292.1 and 2 more transcripts); short protein forms L444F.
Identifiers: ClinVar variation 4019253 (VCV004019253.1).
Genomic context (GRCh38, chr9:95,922,337, plus strand): 5'-TTTATTTTCTATATTTTTCTGGTTACAGACCAATTCTCATGGTGAAACAGTGAAAACCTT[G>T]TATCTCAGTTACCTTACAGTCCTTCAGAAGGTAGCTAACCATGTCGCGCTACTGCAAGCT-3'
Protein context (NP_064592.3, residues 434-454): TNSHGETVKT[Leu444Phe]YLSYLTVLQK

ClinVar aggregate classification (germline): Uncertain significance (1 of 4 stars; one submission).

Conditions:
Inborn genetic diseases. Identifiers: MedGen C0950123, MeSH D030342.

Submission:

Ambry Genetics
Classification: Uncertain significance for Inborn genetic diseases. Last evaluated: 2025-03-20. Review status: criteria provided, single submitter. Criteria: Ambry Variant Classification Scheme 2023. Collection method: clinical testing. Allele origin: germline.
Comment: The p.L444F variant (also known as c.1332G>T), located in coding exon 8 of the ERCC6L2 gene, results from a G to T substitution at nucleotide position 1332. The leucine at codon 444 is replaced by phenylalanine, an amino acid with highly similar properties. This amino acid position is conserved. In addition, the in silico prediction for this alteration is inconclusive. Based on the available evidence, the clinical significance of this variant remains unclear.